The following is an entry in ClinVar:

NM_001282717.2(STAG3):c.2821C>T (p.Gln941Ter)

Gene: STAG3 (STAG3 cohesin complex component; plus strand). Cytogenetic location: 7q22.1.
Variant type: single nucleotide variant.
Coding change: c.2821C>T on transcript NM_001282717.2 (MANE Select); coding-DNA position 2821, C replaced by T.
Protein change: p.Gln941Ter; replaces glutamine 941 with a stop codon.
Molecular consequence: nonsense.
Genome position (GRCh38, 1-based): chr7:100,204,645, C>T. VCF-style: chr7-100204645-C-T. GRCh37 (hg19) VCF-style: chr7-99802268-C-T.
Other names: c.2821C>T, p.Gln941Ter (NM_001282716.1, NM_001375438.1, NM_012447.4); c.2647C>T, p.Gln883Ter (NM_001282718.2); short protein forms Q883*, Q941*.
Identifiers: ClinVar variation 4293889 (VCV004293889.1).
Genomic context (GRCh38, chr7:100,204,645, plus strand): 5'-TGTTCCTCCCTTTCCCACATGCACCATGTCTCCTGGACACAGCTGTACACAGAACTGCTG[C>T]AGGAGCATGGGCCCCAGGGCCTGAATGAGCTTCCTGCCTTCATCGAGATGAGGGACCTGG-3'

ClinVar aggregate classification (germline): Pathogenic (1 of 4 stars; one submission).

Conditions:
Premature ovarian failure 8 (POF8). Identifiers: MedGen C3810367, MONDO:0014321, OMIM 615723.

Submission:

3billion
Classification: Pathogenic for Premature ovarian failure 8. Last evaluated: 2025-01-17. Review status: criteria provided, single submitter. Criteria: ACMG Guidelines, 2015. Collection method: clinical testing. Allele origin: germline. Affected: yes.
Comment: The variant is not observed in the gnomAD v4.1.0 dataset. Predicted Consequence/Location: Stop-gained (nonsense): predicted to result in a loss or disruption of normal protein function through nonsense-mediated decay (NMD) or protein truncation. Multiple pathogenic variants are reported downstream of the variant. Therefore, this variant is classified as Pathogenic according to the recommendation of ACMG/AMP guideline.